The following is an entry in ClinVar:

ClinVar aggregate classification (germline): Likely pathogenic (1 of 4 stars; one submission).

Submission:

GeneDx
Classification: Likely pathogenic. Last evaluated: 2024-08-06. Review status: criteria provided, single submitter. Criteria: GeneDx Variant Classification Process June 2021. Collection method: clinical testing. Allele origin: germline. Affected: yes.
Comment: Not observed at significant frequency in large population cohorts (gnomAD); In silico analysis supports that this missense variant has a deleterious effect on protein structure/function; Has not been previously published as pathogenic or benign to our knowledge; This variant is associated with the following publications: (PMID: 24860126)

NM_178012.5(TUBB2B):c.467G>A (p.Arg156Gln)

Gene: TUBB2B (tubulin beta 2B class IIb; minus strand). Cytogenetic location: 6p25.2.
Variant type: single nucleotide variant.
Coding change: c.467G>A on transcript NM_178012.5 (MANE Select); coding-DNA position 467, G replaced by A.
Protein change: p.Arg156Gln; replaces arginine 156 with glutamine.
Molecular consequence: missense variant.
Genome position (GRCh38, 1-based): chr6:3,225,622, C>T on the plus strand (G>A on the coding strand, the complement: TUBB2B is on the minus strand). VCF-style: chr6-3225622-C-T. GRCh37 (hg19) VCF-style: chr6-3225856-C-T.
Other names: short protein forms R156Q.
Identifiers: ClinVar variation 3602914 (VCV003602914.1).
Genomic context (GRCh38, chr6:3,225,622, plus strand): 5'-GACACCTTGGGTGAGGGCATGACGCTGAAGGTGTTCATGATGCGGTCTGGGTACTCTTCC[C>T]GGATCTTGCTGATGAGCAGGGTGCCCATCCCGGACCCCGTGCCGCCCCCCAGAGAGTGGG-3'
Protein context (NP_821080.1, residues 146-166): GMGTLLISKI[Arg156Gln]EEYPDRIMNT